The following is an entry in ClinVar:

NM_001844.5(COL2A1):c.2896-10_2896-9delinsTT

Gene: COL2A1 (collagen type II alpha 1 chain; minus strand). Cytogenetic location: 12q13.11.
Variant type: Indel.
Coding change: c.2896-10_2896-9delinsTT on transcript NM_001844.5 (MANE Select); 10 bases into the intron before coding-DNA position 2896 through 9 bases into the intron before coding-DNA position 2896, CC replaced by TT.
Molecular consequence: intron variant.
Genome position (GRCh38, 1-based): chr12:47,978,407-47,978,408, GG replaced by AA on the plus strand (CC replaced by TT on the coding strand, the reverse complement: COL2A1 is on the minus strand). VCF-style: chr12-47978407-GG-AA. GRCh37 (hg19) VCF-style: chr12-48372190-GG-AA.
Other names: c.2689-10_2689-9delinsTT (NM_033150.3).
Identifiers: ClinVar variation 3720146 (VCV003720146.2).
Genomic context (GRCh38, chr12:47,978,407, plus strand): 5'-CGATGCCTCTCTGACCAGCCAGACCCTGGGGACCTGGTGGACCTTCGGCACCCTGAGAGA[GG>AA]AGAGGCAGGAGATGAGAACTGACAGTGGCCCAGCCTCTTCTGTCCTCTCAGCACAGCTCT-3'

ClinVar aggregate classification (germline): Uncertain significance (1 of 4 stars; one submission).

Submission:

Labcorp Genetics (formerly Invitae), Labcorp
Classification: Uncertain significance. Last evaluated: 2024-09-19. Review status: criteria provided, single submitter. Criteria: Invitae Variant Classification Sherloc (09022015). Collection method: clinical testing. Allele origin: germline.
Comment: This sequence change falls in intron 42 of the COL2A1 gene. It does not directly change the encoded amino acid sequence of the COL2A1 protein. Information on the frequency of this variant in the gnomAD database is not available, as this variant may be reported differently in the database. This variant has not been reported in the literature in individuals affected with COL2A1-related conditions. Experimental studies and prediction algorithms are not available or were not evaluated, and the effect of this variant on mRNA splicing is currently unknown. In summary, the available evidence is currently insufficient to determine the role of this variant in disease. Therefore, it has been classified as a Variant of Uncertain Significance.